The following is an entry in ClinVar:

ClinVar aggregate classification (germline): Uncertain significance (1 of 4 stars; one submission).

Conditions:
Cardiovascular phenotype. Identifiers: MedGen CN230736.

Allele frequency attached by ClinVar (database versions not stated): gnomAD exomes below 0.00001.
gnomAD v4.1: 1 of 1,605,962 alleles (0.000062%); highest among the groups gnomAD compares: Admixed American, 0.0017%; no homozygotes.

Submission:

Ambry Genetics
Classification: Uncertain significance for Cardiovascular phenotype. Last evaluated: 2025-06-16. Review status: criteria provided, single submitter. Criteria: Ambry Variant Classification Scheme 2023. Collection method: clinical testing. Allele origin: germline.
Comment: The p.V180A variant (also known as c.539T>C), located in coding exon 3 of the APOA1 gene, results from a T to C substitution at nucleotide position 539. The valine at codon 180 is replaced by alanine, an amino acid with similar properties. This amino acid position is conserved. In addition, the in silico prediction for this alteration is inconclusive. Since supporting evidence is limited at this time, the clinical significance of this alteration remains unclear.

NM_000039.3(APOA1):c.539T>C (p.Val180Ala)

Gene: APOA1 (apolipoprotein A1; minus strand). Cytogenetic location: 11q23.3.
Variant type: single nucleotide variant.
Coding change: c.539T>C on transcript NM_000039.3 (MANE Select); coding-DNA position 539, T replaced by C.
Protein change: p.Val180Ala; replaces valine 180 with alanine.
Molecular consequence: missense variant.
Genome position (GRCh38, 1-based): chr11:116,836,073, A>G on the plus strand (T>C on the coding strand, the complement: APOA1 is on the minus strand). VCF-style: chr11-116836073-A-G. GRCh37 (hg19) VCF-style: chr11-116706789-A-G.
Other names: c.539T>C, p.Val180Ala (NM_001318017.2, NM_001318018.2); c.212T>C, p.Val71Ala (NM_001318021.2); short protein forms V71A, V180A.
Identifiers: ClinVar variation 1747282 (VCV001747282.3), dbSNP rs121912727, ClinGen allele CA382715286.